The following is an entry in ClinVar:

ClinVar aggregate classification (germline): Uncertain significance (1 of 4 stars; one submission).

Submission:

Labcorp Genetics (formerly Invitae), Labcorp
Classification: Uncertain significance. Last evaluated: 2024-04-25. Review status: criteria provided, single submitter. Criteria: Invitae Variant Classification Sherloc (09022015). Collection method: clinical testing. Allele origin: germline.
Comment: This variant, c.1483_1485del, results in the deletion of 1 amino acid(s) of the SUCO protein (p.Leu495del), but otherwise preserves the integrity of the reading frame. This variant is present in population databases (no rsID available, gnomAD 0.0009%). This variant has not been reported in the literature in individuals affected with SUCO-related conditions. Experimental studies and prediction algorithms are not available or were not evaluated, and the functional significance of this variant is currently unknown. In summary, the available evidence is currently insufficient to determine the role of this variant in disease. Therefore, it has been classified as a Variant of Uncertain Significance.

NM_014283.5(SUCO):c.1480CTT[1] (p.Leu495del)

Gene: SUCO (SUN domain containing ossification factor; plus strand). Cytogenetic location: 1q24.3.
Variant type: Microsatellite.
Coding change: c.1480CTT[1] on transcript NM_014283.5 (MANE Select); one copy of the 3-base unit CTT starting at c.1480; the reference has two copies in a row; one copy, 3 bases deleted.
Protein change: p.Leu495del; deletes leucine 495.
Molecular consequence: 5 prime UTR variant (on NM_001282751.2).
Genome position (GRCh38, 1-based): chr1:172,579,252-172,579,254, CTT deleted; deleting any 3 consecutive bases within chr1:172,579,248-172,579,254 gives the same sequence; the position shown is the placement nearest the transcript's 3' end. VCF-style (leftmost placement, unchanged base first): chr1-172579247-ATCT-A. GRCh37 (hg19) VCF-style: chr1-172548387-ATCT-A.
Other names: c.1369CTT[1], p.Leu458del (NM_001282750.2); c.-50CTT[1] (NM_001282751.2); c.1933CTT[1], p.Leu646del (NM_016227.4); short protein forms L458del, L495del, L646del.
Identifiers: ClinVar variation 3704688 (VCV003704688.2).